The following is an entry in ClinVar:

ClinVar aggregate classification (germline): Likely pathogenic (1 of 4 stars; one submission).

Submission:

Dasa
Classification: Likely pathogenic. Last evaluated: 2026-02-09. Review status: criteria provided, single submitter. Criteria: DASA Assertion Criteria. Collection method: clinical testing. Allele origin: germline.
Comment: NM_018319.4(TDP1):c.1591C>T (p.Gln531*) is a nonsense variant in TDP1 predicted to introduce a premature termination codon and is predicted to result in an absent or altered protein product. Loss of function is an established disease mechanism for TDP1-associated disorders. Also, this variant is rare in population databases. Based on the currently available evidence, this variant is classified as likely pathogenic.

NM_018319.4(TDP1):c.1591C>T (p.Gln531Ter)

Gene: TDP1 (tyrosyl-DNA phosphodiesterase 1; plus strand). Cytogenetic location: 14q32.11.
Variant type: single nucleotide variant.
Coding change: c.1591C>T on transcript NM_018319.4 (MANE Select); coding-DNA position 1591, C replaced by T.
Protein change: p.Gln531Ter; replaces glutamine 531 with a stop codon.
Molecular consequence: nonsense.
Genome position (GRCh38, 1-based): chr14:90,019,365, C>T. VCF-style: chr14-90019365-C-T. GRCh37 (hg19) VCF-style: chr14-90485709-C-T.
Other names: c.1591C>T, p.Gln531Ter (NM_001008744.2, NM_001330205.2); short protein forms Q531*.
Identifiers: ClinVar variation 4852614 (VCV004852614.2).